The following is an entry in ClinVar:

ClinVar aggregate classification (germline): Uncertain significance (1 of 4 stars; one submission).

Allele frequency attached by ClinVar (database versions not stated): TOPMed 0.00001; gnomAD exomes 0.00002; gnomAD 0.00003; ESP Exome Variant Server 0.00008.
gnomAD v4.1: 26 of 1,603,084 alleles (0.0016%); highest among the groups gnomAD compares: Non-Finnish European, 0.0022%; no homozygotes.

Submission:

Labcorp Genetics (formerly Invitae), Labcorp
Classification: Uncertain significance. Last evaluated: 2022-10-05. Review status: criteria provided, single submitter. Criteria: Invitae Variant Classification Sherloc (09022015). Collection method: clinical testing. Allele origin: germline.
Comment: In summary, the available evidence is currently insufficient to determine the role of this variant in disease. Therefore, it has been classified as a Variant of Uncertain Significance. Algorithms developed to predict the effect of missense changes on protein structure and function (SIFT, PolyPhen-2, Align-GVGD) all suggest that this variant is likely to be tolerated. This variant has not been reported in the literature in individuals affected with ADGRA3-related conditions. The frequency data for this variant in the population databases is considered unreliable, as metrics indicate poor data quality at this position in the gnomAD database. This sequence change replaces glutamine, which is neutral and polar, with arginine, which is basic and polar, at codon 72 of the ADGRA3 protein (p.Gln72Arg).

NM_145290.4(ADGRA3):c.215A>G (p.Gln72Arg)

Gene: ADGRA3 (adhesion G protein-coupled receptor A3; minus strand). Cytogenetic location: 4p15.2.
Variant type: single nucleotide variant.
Coding change: c.215A>G on transcript NM_145290.4 (MANE Select); coding-DNA position 215, A replaced by G.
Protein change: p.Gln72Arg; replaces glutamine 72 with arginine.
Molecular consequence: missense variant.
Genome position (GRCh38, 1-based): chr4:22,515,570, T>C on the plus strand (A>G on the coding strand, the complement: ADGRA3 is on the minus strand). VCF-style: chr4-22515570-T-C. GRCh37 (hg19) VCF-style: chr4-22517193-T-C.
Other names: short protein forms Q72R.
Identifiers: ClinVar variation 1943434 (VCV001943434.5), dbSNP rs140236262, ClinGen allele CA94061029.
Genomic context (GRCh38, chr4:22,515,570, plus strand): 5'-GTCGCGGGAGATACTCACAGGGTGACCGTGCGGTTGGGCAGAGTATCTGGGGGCAGGACC[T>C]GCGCGAGTTCCAGGCTGCTGCACACCACCTTGCCCTCGGCGGCGCCCGCCGCCCTGCCAG-3'
Protein context (NP_660333.2, residues 62-82): KVVCSSLELA[Gln72Arg]VLPPDTLPNR